The following is an entry in ClinVar:

ClinVar aggregate classification (germline): Benign. Review status: criteria provided, multiple submitters, no conflicts (2 of 4 stars). 5 submissions from 3 submitters: Benign (5). Last evaluated 2026-02-04.

Conditions:
Leprechaunism syndrome. Also called: Donohue syndrome; LEPRECHAUNISM. Identifiers: Orphanet 508, MedGen C0265344, MONDO:0009517, OMIM 246200.
Rabson-Mendenhall syndrome. Also called: MENDENHALL SYNDROME; Pineal Hyperplasia, Insulin-Resistant Diabetes Mellitus, and Somatic Abnormalities; Pineal hyperplasia AND diabetes mellitus syndrome. Identifiers: Orphanet 769, MedGen C0271695, MONDO:0009874, OMIM 262190.
Insulin-resistant diabetes mellitus AND acanthosis nigricans. Also called: Insulin-resistance syndrome type A; INSULIN RECEPTOR, DEFECT IN, WITH INSULIN-RESISTANT DIABETES MELLITUS AND ACANTHOSIS NIGRICANS; IRAN, TYPE A; type A insulin resistance; DIABETES MELLITUS, INSULIN-RESISTANT, WITH ACANTHOSIS NIGRICANS, TYPE A. Identifiers: Orphanet 2297, MedGen C0342278, MONDO:0012520, OMIM 610549.

Allele frequency attached by ClinVar (database versions not stated): ESP Exome Variant Server 0.01084; gnomAD 0.01607 and 0.01817; TOPMed 0.02248; ExAC 0.02478; gnomAD exomes 0.02694; 1000 Genomes Project 30x 0.04966; 1000 Genomes Project 0.05092.

Submissions (5):

Labcorp Genetics (formerly Invitae), Labcorp
Classification: Benign. Last evaluated: 2026-02-04. Review status: criteria provided, single submitter. Criteria: Invitae Variant Classification Sherloc (09022015). Collection method: clinical testing. Allele origin: germline.

Illumina Laboratory Services, Illumina
Classification: Benign for Leprechaunism syndrome. Last evaluated: 2018-01-13. Review status: criteria provided, single submitter. Criteria: ICSL Variant Classification Criteria 13 December 2019. Collection method: clinical testing. Allele origin: germline.
Comment: This variant was observed in the ICSL laboratory as part of a predisposition screen in an ostensibly healthy population. It had not been previously curated by ICSL or reported in the Human Gene Mutation Database (HGMD: prior to June 1st, 2018), and was therefore a candidate for classification through an automated scoring system. Utilizing variant allele frequency, disease prevalence and penetrance estimates, and inheritance mode, an automated score was calculated to assess if this variant is too frequent to cause the disease. Based on the score and internal cut-off values, a variant classified as benign is not then subjected to further curation. The score for this variant resulted in a classification of benign for this disease.

Illumina Laboratory Services, Illumina
Classification: Benign for Rabson-Mendenhall syndrome. Last evaluated: 2018-01-13. Review status: criteria provided, single submitter. Criteria: ICSL Variant Classification Criteria 13 December 2019. Collection method: clinical testing. Allele origin: germline.
Comment: the same text as in the submission from Illumina Laboratory Services, Illumina above.

Illumina Laboratory Services, Illumina
Classification: Benign for Insulin-resistant diabetes mellitus AND acanthosis nigricans. Last evaluated: 2018-01-13. Review status: criteria provided, single submitter. Criteria: ICSL Variant Classification Criteria 13 December 2019. Collection method: clinical testing. Allele origin: germline.
Comment: the same text as in the submission from Illumina Laboratory Services, Illumina above.

Breakthrough Genomics
Classification: Benign. Review status: criteria provided, single submitter. Criteria: ACMG Guidelines, 2015. Collection method: not provided. Allele origin: germline. Inheritance: Autosomal recessive inheritance. Affected: yes.

NM_000208.4(INSR):c.3795-5C>T

Gene: INSR (insulin receptor; minus strand). Cytogenetic location: 19p13.2.
Variant type: single nucleotide variant.
Coding change: c.3795-5C>T on transcript NM_000208.4 (MANE Select); 5 bases into the intron before coding-DNA position 3795, C replaced by T.
Molecular consequence: intron variant.
Genome position (GRCh38, 1-based): chr19:7,117,415, G>A on the plus strand (C>T on the coding strand, the complement: INSR is on the minus strand). VCF-style: chr19-7117415-G-A. GRCh37 (hg19) VCF-style: chr19-7117426-G-A.
Other names: c.3759-5C>T (NM_001079817.3).
Identifiers: ClinVar variation 330440 (VCV000330440.13), dbSNP rs78312382, ClinGen allele CA9135138.